The following is an entry in ClinVar:

ClinVar aggregate classification (germline): Uncertain significance (1 of 4 stars; one submission).

gnomAD v4.1: 5 of 1,614,200 alleles (0.00031%); highest among the groups gnomAD compares: Non-Finnish European, 0.00042%; no homozygotes.

Submission:

Women's Health and Genetics/Laboratory Corporation of America, LabCorp
Classification: Uncertain significance. Last evaluated: 2024-12-18. Review status: criteria provided, single submitter. Criteria: LabCorp Variant Classification Summary - May 2015. Collection method: clinical testing. Allele origin: germline.
Comment: Variant summary: RAX c.478T>C (p.Tyr160His) results in a conservative amino acid change located in the homeodomain (IPR001356) of the encoded protein sequence. Four of five in-silico tools predict a damaging effect of the variant on protein function. The variant was absent in 251398 control chromosomes (gnomAD). The available data on variant occurrences in the general population are insufficient to allow any conclusion about variant significance. c.478T>C has been reported in the literature in at least an individual affected with clinical features of isolated microphthalmia 3 (example: Chassaing_2014). This report however, does not provide unequivocal conclusions about association of the variant with Isolated microphthalmia 3. To our knowledge, no experimental evidence demonstrating an impact on protein function has been reported. The following publication have been ascertained in the context of this evaluation (PMID: 24033328). No submitters have cited clinical-significance assessments for this variant to ClinVar. Based on the evidence outlined above, the variant was classified as uncertain significance.

Literature cited by the submitters: PubMed 24033328.

NM_013435.3(RAX):c.478T>C (p.Tyr160His)

Gene: RAX (retina and anterior neural fold homeobox; minus strand). Cytogenetic location: 18q21.32.
Variant type: single nucleotide variant.
Coding change: c.478T>C on transcript NM_013435.3 (MANE Select); coding-DNA position 478, T replaced by C.
Protein change: p.Tyr160His; replaces tyrosine 160 with histidine.
Molecular consequence: missense variant.
Genome position (GRCh38, 1-based): chr18:59,272,426, A>G on the plus strand (T>C on the coding strand, the complement: RAX is on the minus strand). VCF-style: chr18-59272426-A-G. GRCh37 (hg19) VCF-style: chr18-56939658-A-G.
Other names: short protein forms Y160H.
Identifiers: ClinVar variation 3768523 (VCV003768523.1).